The following is an entry in ClinVar:

NM_005120.3(MED12):c.5923A>G (p.Ser1975Gly)

Gene: MED12 (mediator complex subunit 12; plus strand). Cytogenetic location: Xq13.1.
Variant type: single nucleotide variant.
Coding change: c.5923A>G on transcript NM_005120.3 (MANE Select); coding-DNA position 5923, A replaced by G.
Protein change: p.Ser1975Gly; replaces serine 1975 with glycine.
Molecular consequence: missense variant.
Genome position (GRCh38, 1-based): chrX:71,137,822, A>G. VCF-style: chrX-71137822-A-G. GRCh37 (hg19) VCF-style: chrX-70357672-A-G.
Other names: short protein forms S1975G.
Identifiers: ClinVar variation 2850359 (VCV002850359.3), dbSNP rs2519715640, ClinGen allele CA413539301.
Genomic context (GRCh38, chrX:71,137,822, plus strand): 5'-CAACACACAGGCCCTGCAGGTACCATGGTGCCCCCCAGCTACTCCAGCCAGCCTTACCAG[A>G]GCACCCACCCTTCTACCAATCCTACTCTTGTAGATCCTACCCGCCACCTGCAACAGCGGC-3'
Protein context (NP_005111.2, residues 1965-1985): PPSYSSQPYQ[Ser1975Gly]THPSTNPTLV

ClinVar aggregate classification (germline): Uncertain significance (1 of 4 stars; one submission).

Conditions:
FG syndrome (FGS). Identifiers: MedGen C0220769, MONDO:0002010.

Submission:

Labcorp Genetics (formerly Invitae), Labcorp
Classification: Uncertain significance for FG syndrome. Last evaluated: 2023-03-28. Review status: criteria provided, single submitter. Criteria: Invitae Variant Classification Sherloc (09022015). Collection method: clinical testing. Allele origin: germline.
Comment: In summary, the available evidence is currently insufficient to determine the role of this variant in disease. Therefore, it has been classified as a Variant of Uncertain Significance. Advanced modeling of protein sequence and biophysical properties (such as structural, functional, and spatial information, amino acid conservation, physicochemical variation, residue mobility, and thermodynamic stability) performed at Invitae indicates that this missense variant is not expected to disrupt MED12 protein function. This variant has not been reported in the literature in individuals affected with MED12-related conditions. This variant is not present in population databases (gnomAD no frequency). This sequence change replaces serine, which is neutral and polar, with glycine, which is neutral and non-polar, at codon 1975 of the MED12 protein (p.Ser1975Gly).